The following is an entry in ClinVar:

NM_001382391.1(CSPP1):c.254A>G (p.His85Arg)

Gene: CSPP1 (centrosome and spindle pole associated protein 1; plus strand). Cytogenetic location: 8q13.1.
Variant type: single nucleotide variant.
Coding change: c.254A>G on transcript NM_001382391.1 (MANE Select); coding-DNA position 254, A replaced by G.
Protein change: p.His85Arg; replaces histidine 85 with arginine.
Molecular consequence: missense variant. On other transcripts: 5 prime UTR variant (1).
Genome position (GRCh38, 1-based): chr8:67,086,061, A>G. VCF-style: chr8-67086061-A-G. GRCh37 (hg19) VCF-style: chr8-67998296-A-G.
Other names: c.-521A>G (NM_001291339.2); c.254A>G, p.His85Arg (NM_001363131.2, NM_001363132.2, NM_001363133.2); c.362A>G, p.His121Arg (NM_001364869.1, NM_001364870.1, NM_024790.7); short protein forms H121R, H85R.
Identifiers: ClinVar variation 957521 (VCV000957521.6), dbSNP rs370605967, ClinGen allele CA4770179.

ClinVar aggregate classification (germline): Uncertain significance. Review status: criteria provided, multiple submitters, no conflicts (2 of 4 stars). 2 submissions from 2 submitters: Uncertain significance (2). Last evaluated 2023-04-06.

Conditions:
Inborn genetic diseases. Identifiers: MedGen C0950123, MeSH D030342.
Joubert syndrome 21 (JBTS21). Identifiers: MedGen C3810212, MONDO:0014288, OMIM 615636.

Allele frequency attached by ClinVar (database versions not stated): gnomAD exomes 0.00001 and 0.00003; ExAC 0.00005; TOPMed 0.00017; gnomAD 0.00021 and 0.00024; ESP Exome Variant Server 0.00026.

Submissions (2):

Ambry Genetics
Classification: Uncertain significance for Inborn genetic diseases. Last evaluated: 2023-04-06. Review status: criteria provided, single submitter. Criteria: Ambry Variant Classification Scheme 2023. Collection method: clinical testing. Allele origin: germline.

Labcorp Genetics (formerly Invitae), Labcorp
Classification: Uncertain significance for Joubert syndrome 21. Last evaluated: 2022-09-07. Review status: criteria provided, single submitter. Criteria: Invitae Variant Classification Sherloc (09022015). Collection method: clinical testing. Allele origin: germline.
Comment: This sequence change replaces histidine, which is basic and polar, with arginine, which is basic and polar, at codon 121 of the CSPP1 protein (p.His121Arg). This variant is present in population databases (rs370605967, gnomAD 0.05%). This variant has not been reported in the literature in individuals affected with CSPP1-related conditions. ClinVar contains an entry for this variant (Variation ID: 957521). Algorithms developed to predict the effect of missense changes on protein structure and function (SIFT, PolyPhen-2, Align-GVGD) all suggest that this variant is likely to be tolerated. Algorithms developed to predict the effect of sequence changes on RNA splicing suggest that this variant may create or strengthen a splice site. In summary, the available evidence is currently insufficient to determine the role of this variant in disease. Therefore, it has been classified as a Variant of Uncertain Significance.